The following is an entry in ClinVar:

ClinVar aggregate classification (germline): Uncertain significance (1 of 4 stars; one submission).

Submission:

GeneDx
Classification: Uncertain significance. Last evaluated: 2022-03-10. Review status: criteria provided, single submitter. Criteria: GeneDx Variant Classification Process June 2021. Collection method: clinical testing. Allele origin: germline. Affected: yes.
Comment: Not observed at significant frequency in large population cohorts (gnomAD); In silico analysis supports that this missense variant has a deleterious effect on protein structure/function; Has not been previously published as pathogenic or benign to our knowledge

NM_021095.4(SLC5A6):c.1226T>C (p.Leu409Pro)

Gene: SLC5A6 (solute carrier family 5 member 6; minus strand). Cytogenetic location: 2p23.3.
Variant type: single nucleotide variant.
Coding change: c.1226T>C on transcript NM_021095.4 (MANE Select); coding-DNA position 1226, T replaced by C.
Protein change: p.Leu409Pro; replaces leucine 409 with proline.
Molecular consequence: missense variant. On other transcripts: non-coding transcript variant (1).
Genome position (GRCh38, 1-based): chr2:27,202,862, A>G on the plus strand (T>C on the coding strand, the complement: SLC5A6 is on the minus strand). VCF-style: chr2-27202862-A-G. GRCh37 (hg19) VCF-style: chr2-27425730-A-G.
Other names: short protein forms L409P.
Identifiers: ClinVar variation 1704909 (VCV001704909.2), dbSNP rs2466039013, ClinGen allele CA346166536.